The following is an entry in ClinVar:

NM_002693.3(POLG):c.2450C>T (p.Pro817Leu)

Gene: POLG (DNA polymerase gamma, catalytic subunit; minus strand). Cytogenetic location: 15q26.1.
Variant type: single nucleotide variant.
Coding change: c.2450C>T on transcript NM_002693.3 (MANE Select); coding-DNA position 2450, C replaced by T.
Protein change: p.Pro817Leu; replaces proline 817 with leucine.
Molecular consequence: missense variant.
Genome position (GRCh38, 1-based): chr15:89,321,992, G>A on the plus strand (C>T on the coding strand, the complement: POLG is on the minus strand). VCF-style: chr15-89321992-G-A. GRCh37 (hg19) VCF-style: chr15-89865223-G-A.
Other names: c.2450C>T, p.Pro817Leu (NM_001126131.2); short protein forms P817L.
Identifiers: ClinVar variation 1977733 (VCV001977733.2), dbSNP rs2509223405, ClinGen allele CA393754978.

ClinVar aggregate classification (germline): Uncertain significance (1 of 4 stars; one submission).

Conditions:
Progressive sclerosing poliodystrophy (MTDPS4A). Also called: Mitochondrial DNA Depletion Syndrome 4A; ALPERS PROGRESSIVE INFANTILE POLIODYSTROPHY; NEURONAL DEGENERATION OF CHILDHOOD WITH LIVER DISEASE, PROGRESSIVE; Mitochondrial DNA depletion syndrome 4A (Alpers type); Alpers-Huttenlocher Syndrome (AHS); Alpers Syndrome. Identifiers: Orphanet 726, MedGen C0205710, MONDO:0008758, OMIM 203700.

gnomAD v4.1: 1 of 1,614,112 alleles (0.000062%); highest among the groups gnomAD compares: Non-Finnish European, 0.000085%; no homozygotes.

Submission:

Labcorp Genetics (formerly Invitae), Labcorp
Classification: Uncertain significance for Progressive sclerosing poliodystrophy. Last evaluated: 2022-06-29. Review status: criteria provided, single submitter. Criteria: Invitae Variant Classification Sherloc (09022015). Collection method: clinical testing. Allele origin: germline.
Comment: This sequence change replaces proline, which is neutral and non-polar, with leucine, which is neutral and non-polar, at codon 817 of the POLG protein (p.Pro817Leu). This variant is not present in population databases (gnomAD no frequency). This variant has not been reported in the literature in individuals affected with POLG-related conditions. Algorithms developed to predict the effect of missense changes on protein structure and function are either unavailable or do not agree on the potential impact of this missense change (SIFT: "Tolerated"; PolyPhen-2: "Possibly Damaging"; Align-GVGD: "Class C0"). In summary, the available evidence is currently insufficient to determine the role of this variant in disease. Therefore, it has been classified as a Variant of Uncertain Significance.